The following is an entry in ClinVar:

NM_000551.4(VHL):c.614G>T (p.Arg205Leu)

Genes: VHL (von Hippel-Lindau tumor suppressor; plus strand), LOC107303340 (3p25 von Hippel-Lindau tumor suppressor, E3 ubiquitin protein ligase Alu-mediated recombination region; plus strand). Cytogenetic location: 3p25.3.
Variant type: single nucleotide variant.
Coding change: c.614G>T on transcript NM_000551.4 (MANE Select); coding-DNA position 614, G replaced by T.
Protein change: p.Arg205Leu; replaces arginine 205 with leucine.
Molecular consequence: missense variant. On other transcripts: 3 prime UTR variant (1).
Genome position (GRCh38, 1-based): chr3:10,149,937, G>T. VCF-style: chr3-10149937-G-T. GRCh37 (hg19) VCF-style: chr3-10191621-G-T.
Other names: c.*168G>T (NM_001354723.2); c.491G>T, p.Arg164Leu (NM_198156.3); short protein forms R205L, R164L.
Identifiers: ClinVar variation 456592 (VCV000456592.14), dbSNP rs777130107, ClinGen allele CA351756661.

ClinVar aggregate classification (germline): Conflicting classifications of pathogenicity. Review status: criteria provided, conflicting classifications (1 of 4 stars). 3 submissions from 3 submitters: Uncertain significance (2); Likely benign (1). Last evaluated 2025-06-23.

Conditions:
Hereditary cancer-predisposing syndrome. Also called: Hereditary Cancer Syndrome; Hereditary neoplastic syndrome; Tumor predisposition; Neoplastic Syndromes, Hereditary. Identifiers: Orphanet 140162, MedGen C0027672, MeSH D009386, MONDO:0015356.
Von Hippel-Lindau syndrome (VHLS). Also called: Von Hippel-Lindau; von Hippel–Lindau syndrome; VHL syndrome. Identifiers: Orphanet 892, MedGen C0019562, MONDO:0008667, OMIM 193300. Disease mechanism: loss of function.
Chuvash polycythemia. Also called: POLYCYTHEMIA, VHL-DEPENDENT. Identifiers: Orphanet 238557, MedGen C1837915, MONDO:0009892, OMIM 263400.

gnomAD v4.1: 19 of 1,614,068 alleles (0.0012%); highest among the groups gnomAD compares: Non-Finnish European, 0.0016%; no homozygotes.

Submissions (3):

Ambry Genetics
Classification: Likely benign for Hereditary cancer-predisposing syndrome. Last evaluated: 2025-06-23. Review status: criteria provided, single submitter. Criteria: Ambry Variant Classification Scheme 2023. Collection method: clinical testing. Allele origin: germline.

Labcorp Genetics (formerly Invitae), Labcorp
Classification: Uncertain significance for Von Hippel-Lindau syndrome; Chuvash polycythemia. Last evaluated: 2024-03-06. Review status: criteria provided, single submitter. Criteria: Invitae Variant Classification Sherloc (09022015). Collection method: clinical testing. Allele origin: germline.
Comment: This sequence change replaces arginine, which is basic and polar, with leucine, which is neutral and non-polar, at codon 205 of the VHL protein (p.Arg205Leu). This variant is not present in population databases (gnomAD no frequency). This variant has not been reported in the literature in individuals affected with VHL-related conditions. ClinVar contains an entry for this variant (Variation ID: 456592). Advanced modeling of protein sequence and biophysical properties (such as structural, functional, and spatial information, amino acid conservation, physicochemical variation, residue mobility, and thermodynamic stability) has been performed at Invitae for this missense variant, however the output from this modeling did not meet the statistical confidence thresholds required to predict the impact of this variant on VHL protein function. In summary, the available evidence is currently insufficient to determine the role of this variant in disease. Therefore, it has been classified as a Variant of Uncertain Significance.

All of Us Research Program, National Institutes of Health
Classification: Uncertain significance for Von Hippel-Lindau syndrome. Last evaluated: 2023-12-13. Review status: criteria provided, single submitter. Criteria: ACMG Guidelines, 2015. Collection method: clinical testing. Allele origin: germline. Inheritance: Autosomal dominant inheritance. Observed: 4 variant alleles, 4 heterozygotes.
Comment: This missense variant replaces arginine with leucine at codon 205 of the VHL protein. Computational prediction is inconclusive regarding the impact of this variant on protein structure and function (internally defined REVEL score threshold 0.5 < inconclusive < 0.7, PMID: 27666373). To our knowledge, functional studies have not been reported for this variant. This variant has not been reported in individuals affected with hereditary cancer in the literature. This variant has not been identified in the general population by the Genome Aggregation Database (gnomAD). The available evidence is insufficient to determine the role of this variant in disease conclusively. Therefore, this variant is classified as a Variant of Uncertain Significance.

This study involves interpretation of variants in research participants for the purpose of population health screening. Participant phenotype was not available at the time of variant classification. Additional details can be found in publication PMID: 35346344, PMCID: PMC8962531

Literature cited by the submitters: PubMed 33151962 (cited by Ambry Genetics); PubMed 38969834 (cited by Ambry Genetics).